The following is an entry in ClinVar:

NM_139242.4(MTFMT):c.-7C>T

Genes: MTFMT (mitochondrial methionyl-tRNA formyltransferase; minus strand), LOC130057309 (ATAC-STARR-seq lymphoblastoid silent region 6550; plus strand). Cytogenetic location: 15q22.31.
Variant type: single nucleotide variant.
Coding change: c.-7C>T on transcript NM_139242.4 (MANE Select); 7 bases upstream of the start codon, C replaced by T.
Molecular consequence: 5 prime UTR variant.
Genome position (GRCh38, 1-based): chr15:65,029,620, G>A on the plus strand (C>T on the coding strand, the complement: MTFMT is on the minus strand). VCF-style: chr15-65029620-G-A. GRCh37 (hg19) VCF-style: chr15-65321958-G-A.
Identifiers: ClinVar variation 3036633 (VCV003036633.2), dbSNP rs1216162953, ClinGen allele CA618956803.
Genomic context (GRCh38, chr15:65,029,620, plus strand): 5'-CCTGGCGCCATGAGCCAGCGGAGGACCCCAACAGCGCCGCACCAACACCCTCATCGCCTC[G>A]GCCGCCGGCGGCCGGCCCTGCGCAGGCGCATCGGGGCGGGGACAAGGGTGCAGCCTGGGG-3'

ClinVar aggregate classification (germline): Likely benign (0 of 4 stars; one submission).

Conditions:
MTFMT-related disorder. Also called: MTFMT-related condition.

gnomAD v4.1: 79 of 1,378,486 alleles (0.0057%); highest among the groups gnomAD compares: Non-Finnish European, 0.0069%; no homozygotes.

Submission:

PreventionGenetics, part of Exact Sciences
Classification: Likely benign for MTFMT-related condition. Last evaluated: 2021-05-19. Review status: no assertion criteria provided. Collection method: clinical testing. Allele origin: germline.
Comment: This variant is classified as likely benign based on ACMG/AMP sequence variant interpretation guidelines (Richards et al. 2015 PMID: 25741868, with internal and published modifications).